The following is an entry in ClinVar:

NM_005857.5(ZMPSTE24):c.1173C>T (p.Ile391=)

Gene: ZMPSTE24 (zinc metallopeptidase STE24; plus strand). Cytogenetic location: 1p34.2.
Variant type: single nucleotide variant.
Coding change: c.1173C>T on transcript NM_005857.5 (MANE Select); coding-DNA position 1173, C replaced by T.
Protein change: p.Ile391=; no amino-acid change (isoleucine 391 retained).
Molecular consequence: synonymous variant.
Genome position (GRCh38, 1-based): chr1:40,290,967, C>T. VCF-style: chr1-40290967-C-T. GRCh37 (hg19) VCF-style: chr1-40756639-C-T.
Identifiers: ClinVar variation 5006546 (VCV005006546.2).

ClinVar aggregate classification (germline): Uncertain significance (1 of 4 stars; one submission).

Conditions:
Restrictive dermopathy 1 (RSDM1). Also called: FETAL HYPOKINESIA SEQUENCE DUE TO RESTRICTIVE DERMOPATHY; HYPERKERATOSIS-CONTRACTURE SYNDROME; RESTRICTIVE DERMOPATHY 1, LETHAL. Identifiers: MedGen C5676878, MONDO:0800042, OMIM 275210.
Mandibuloacral dysplasia with type B lipodystrophy (MADB). Also called: LIPODYSTROPHY, TYPE B, ASSOCIATED WITH MANDIBULOACRAL DYSPLASIA. Identifiers: Orphanet 2457, Orphanet 90154, MedGen C1837756, MONDO:0012074, OMIM 608612.

Submission:

Juno Genomics, Hangzhou Juno Genomics, Inc
Classification: Uncertain significance for Mandibuloacral dysplasia with type B lipodystrophy; Restrictive dermopathy 1. Review status: criteria provided, single submitter. Criteria: ACMG Guidelines, 2015. Collection method: clinical testing. Allele origin: germline.
Comment: Absent from controls (or at extremely low frequency if recessive) in Genome Aggregation Database.;Multiple lines of computational evidence support a deleterious effect on the gene or gene product.